The following is an entry in ClinVar:

NM_058004.4(PI4KA):c.1227G>C (p.Thr409=)

Gene: PI4KA (phosphatidylinositol 4-kinase alpha; minus strand). Cytogenetic location: 22q11.21.
Variant type: single nucleotide variant.
Coding change: c.1227G>C on transcript NM_058004.4 (MANE Select); coding-DNA position 1227, G replaced by C.
Protein change: p.Thr409=; no amino-acid change (threonine 409 retained).
Molecular consequence: synonymous variant.
Genome position (GRCh38, 1-based): chr22:20,805,107, C>G on the plus strand (G>C on the coding strand, the complement: PI4KA is on the minus strand). VCF-style: chr22-20805107-C-G. GRCh37 (hg19) VCF-style: chr22-21159395-C-G.
Other names: c.1227G>C, p.Thr409= (NM_001362862.2); c.1161G>C, p.Thr387= (NM_001362863.2).
Identifiers: ClinVar variation 721133 (VCV000721133.30), dbSNP rs147518064, ClinGen allele CA10116528.

ClinVar aggregate classification (germline): Likely benign. Review status: criteria provided, multiple submitters, no conflicts (2 of 4 stars). 4 submissions from 4 submitters: Likely benign (4). Last evaluated 2026-08-01.

Allele frequency attached by ClinVar (database versions not stated): gnomAD 0.00131; TOPMed 0.00080; ESP Exome Variant Server 0.00100.
gnomAD v4.1: 1,684 of 1,613,988 alleles (0.1%); highest among the groups gnomAD compares: Non-Finnish European, 0.13%; 2 homozygotes.

Submissions (4):

CeGaT Center for Human Genetics Tuebingen
Classification: Likely benign. Last evaluated: 2026-08-01. Review status: criteria provided, single submitter. Criteria: CeGaT Center For Human Genetics Tuebingen Variant Classification Criteria Version 2. Collection method: clinical testing. Allele origin: germline. Affected: yes. Observed: 5 variant alleles.
Comment: PI4KA: BP4, BP7

Laboratory of Genetics, Children's Clinical University Hospital Latvia
Classification: Likely benign. Last evaluated: 2025-02-16. Review status: criteria provided, single submitter. Criteria: ACMG Guidelines, 2015. Collection method: clinical testing. Allele origin: germline. Affected: yes.

Blueprint Genetics
Classification: Likely benign. Last evaluated: 2024-10-30. Review status: criteria provided, single submitter. Criteria: ACMG Guidelines, 2015. Collection method: clinical testing. Allele origin: germline.

Labcorp Genetics (formerly Invitae), Labcorp
Classification: Likely benign. Last evaluated: 2019-12-31. Review status: criteria provided, single submitter. Criteria: Invitae Variant Classification Sherloc (09022015). Collection method: clinical testing. Allele origin: germline.